The following is an entry in ClinVar:

NM_016120.4(RLIM):c.25A>C (p.Lys9Gln)

Gene: RLIM (ring finger protein, LIM domain interacting; minus strand). Cytogenetic location: Xq13.2.
Variant type: single nucleotide variant.
Coding change: c.25A>C on transcript NM_016120.4 (MANE Select); coding-DNA position 25, A replaced by C.
Protein change: p.Lys9Gln; replaces lysine 9 with glutamine.
Molecular consequence: missense variant.
Genome position (GRCh38, 1-based): chrX:74,595,953, T>G on the plus strand (A>C on the coding strand, the complement: RLIM is on the minus strand). VCF-style: chrX-74595953-T-G. GRCh37 (hg19) VCF-style: chrX-73815788-T-G.
Other names: c.25A>C, p.Lys9Gln (NM_183353.3); short protein forms K9Q.
Identifiers: ClinVar variation 4976153 (VCV004976153.1).
Genomic context (GRCh38, chrX:74,595,953, plus strand): 5'-CTCGATCCAATCGGTCCATCTGACTTCTGCGCTGTGCTGCAGACTGATCACCACTTCCTT[T>G]GTCATTGGAATCTGAGTTTTCCATATTGATGAACAAGTGGAAAATACCTGAAAAGAGAAA-3'
Protein context (NP_057204.2, residues 1-19): MENSDSND[Lys9Gln]GSGDQSAAQR

ClinVar aggregate classification (germline): Uncertain significance (1 of 4 stars; one submission).

Submission:

GeneDx
Classification: Uncertain significance. Last evaluated: 2026-02-03. Review status: criteria provided, single submitter. Criteria: GeneDx Variant Classification Process June 2021. Collection method: clinical testing. Allele origin: germline.
Comment: Not observed at significant frequency in large population cohorts (gnomAD); In silico analysis suggests that this missense variant does not alter protein structure/function; Has not been previously published as pathogenic or benign to our knowledge